The following is an entry in ClinVar:

ClinVar aggregate classification (germline): Uncertain significance. Review status: criteria provided, multiple submitters, no conflicts (2 of 4 stars). 2 submissions from 2 submitters: Uncertain significance (2). Last evaluated 2025-02-14.

Allele frequency attached by ClinVar (database versions not stated): gnomAD exomes below 0.00001.
gnomAD v4.1: 4 of 1,126,032 alleles (0.00036%); highest among the groups gnomAD compares: Non-Finnish European, 0.00051%; no homozygotes.

Submissions (2):

GeneDx
Classification: Uncertain significance. Last evaluated: 2025-02-14. Review status: criteria provided, single submitter. Criteria: GeneDx Variant Classification Process June 2021. Collection method: clinical testing. Allele origin: germline. Affected: yes.
Comment: Not observed at significant frequency in large population cohorts (gnomAD); In silico analysis indicates that this missense variant does not alter protein structure/function; Has not been previously published as pathogenic or benign to our knowledge

Women's Health and Genetics/Laboratory Corporation of America, LabCorp
Classification: Uncertain significance. Last evaluated: 2023-11-08. Review status: criteria provided, single submitter. Criteria: LabCorp Variant Classification Summary - May 2015. Collection method: clinical testing. Allele origin: germline.
Comment: Variant summary: PKD1 c.2233G>A (p.Ala745Thr) results in a non-conservative amino acid change located in the Polycystin cation channel (IPR006228) of the encoded protein sequence. Four of five in-silico tools predict a benign effect of the variant on protein function. The variant was absent in 128096 control chromosomes (gnomAD). The available data on variant occurrences in the general population are insufficient to allow any conclusion about variant significance. To our knowledge, no occurrence of c.2233G>A in individuals affected with Polycystic Kidney Disease 1 and no experimental evidence demonstrating its impact on protein function have been reported. No submitters have cited clinical-significance assessments for this variant to ClinVar after 2014. Based on the evidence outlined above, the variant was classified as uncertain significance.

NM_001009944.3(PKD1):c.2233G>A (p.Ala745Thr)

Gene: PKD1 (polycystin 1, transient receptor potential channel interacting; minus strand). Cytogenetic location: 16p13.3.
Variant type: single nucleotide variant.
Coding change: c.2233G>A on transcript NM_001009944.3 (MANE Select); coding-DNA position 2233, G replaced by A.
Protein change: p.Ala745Thr; replaces alanine 745 with threonine.
Molecular consequence: missense variant.
Genome position (GRCh38, 1-based): chr16:2,114,790, C>T on the plus strand (G>A on the coding strand, the complement: PKD1 is on the minus strand). VCF-style: chr16-2114790-C-T. GRCh37 (hg19) VCF-style: chr16-2164791-C-T.
Other names: c.2233G>A, p.Ala745Thr (NM_000296.4); short protein forms A745T.
Identifiers: ClinVar variation 2682391 (VCV002682391.2), dbSNP rs995499499, ClinGen allele CA276782849.
Genomic context (GRCh38, chr16:2,114,790, plus strand): 5'-GGCAGGCCCAAGTGCCCTCCAGCTGGGCTGGCAAGTGGGGCAGCCATGACGAGGCGTTGG[C>T]GGAGAGGTACGGGGCCCGGGGACCAGGGTGGCCGGGAGCCGGCGAGCAGTGCAGGAGGGC-3'
Protein context (NP_001009944.3, residues 735-755): HPGPRAPYLS[Ala745Thr]NASSWLPHLP